The following is an entry in ClinVar:

NM_001201543.2(FAM161A):c.154_165delinsAAAGTGGCG (p.Glu52del)

Genes: FAM161A (FAM161 centrosomal protein A; minus strand), LOC129933843 (ATAC-STARR-seq lymphoblastoid active region 15839; plus strand). Cytogenetic location: 2p15.
Variant type: Indel.
Coding change: c.154_165delinsAAAGTGGCG on transcript NM_001201543.2 (MANE Select); coding-DNA positions 154 to 165, GAGAAAGTGGCT replaced by AAAGTGGCG.
Protein change: p.Glu52del; deletes glutamic acid 52.
Molecular consequence: non-coding transcript variant (on NR_037710.2).
Genome position (GRCh38, 1-based): chr2:61,853,877-61,853,888, AGCCACTTTCTC replaced by CGCCACTTT on the plus strand (GAGAAAGTGGCT replaced by AAAGTGGCG on the coding strand, the reverse complement: FAM161A is on the minus strand). VCF-style: chr2-61853877-AGCCACTTTCTC-CGCCACTTT. GRCh37 (hg19) VCF-style: chr2-62081012-AGCCACTTTCTC-CGCCACTTT.
Other names: c.154_165delinsAAAGTGGCG, p.Glu52del (NM_032180.3); short protein forms E52del.
Identifiers: ClinVar variation 3384694 (VCV003384694.1).

ClinVar aggregate classification (germline): Uncertain significance (1 of 4 stars; one submission).

Submission:

Women's Health and Genetics/Laboratory Corporation of America, LabCorp
Classification: Uncertain significance. Last evaluated: 2024-10-14. Review status: criteria provided, single submitter. Criteria: LabCorp Variant Classification Summary - May 2015. Collection method: clinical testing. Allele origin: germline.
Comment: Variant summary: FAM161A c.154_165delinsAAAGTGGCG (p.Glu52del) results in an in-frame deletion that is predicted to remove one amino acids from the encoded protein. This variant is the combination of c.165T>G and c.154_156delGAG. The variant allele was found at a frequency of 9.3e-05 in 248424 control chromosomes. This frequency is not significantly higher than estimated for a pathogenic variant in FAM161A causing Retinitis Pigmentosa (9.3e-05 vs 0.00063), allowing no conclusion about variant significance. To our knowledge, no occurrence of c.154_165delinsAAAGTGGCG in individuals affected with Retinitis Pigmentosa and no experimental evidence demonstrating its impact on protein function have been reported. No submitters have cited clinical-significance assessments for this variant to ClinVar. Based on the evidence outlined above, the variant was classified as uncertain significance.